The following is an entry in ClinVar:

NM_001849.4(COL6A2):c.2923G>A (p.Ala975Thr)

Gene: COL6A2 (collagen type VI alpha 2 chain; plus strand). Cytogenetic location: 21q22.3.
Variant type: single nucleotide variant.
Coding change: c.2923G>A on transcript NM_001849.4 (MANE Select); coding-DNA position 2923, G replaced by A.
Protein change: p.Ala975Thr; replaces alanine 975 with threonine.
Molecular consequence: missense variant.
Genome position (GRCh38, 1-based): chr21:46,132,415, G>A. VCF-style: chr21-46132415-G-A. GRCh37 (hg19) VCF-style: chr21-47552329-G-A.
Other names: short protein forms A975T.
Identifiers: ClinVar variation 858892 (VCV000858892.40), dbSNP rs777494468, ClinGen allele CA10073097.

ClinVar aggregate classification (germline): Uncertain significance. Review status: criteria provided, multiple submitters, no conflicts (2 of 4 stars). 3 submissions from 3 submitters: Uncertain significance (3). Last evaluated 2022-08-01.

Conditions:
Bethlem myopathy 1A. Also called: Bethlem myopathy 1; MYOPATHY, BENIGN CONGENITAL, WITH CONTRACTURES; Bethlem Muscular Dystrophy. Identifiers: Orphanet 610, MedGen CN029274, MONDO:0024530, OMIM 158810.

Allele frequency attached by ClinVar (database versions not stated): gnomAD exomes below 0.00001 and 0.00001; TOPMed below 0.00001; ExAC 0.00001; gnomAD 0.00001.
gnomAD v4.1: 14 of 1,607,504 alleles (0.00087%); highest among the groups gnomAD compares: Non-Finnish European, 0.001%; no homozygotes.

Submissions (3):

CeGaT Center for Human Genetics Tuebingen
Classification: Uncertain significance. Last evaluated: 2022-08-01. Review status: criteria provided, single submitter. Criteria: CeGaT Center For Human Genetics Tuebingen Variant Classification Criteria Version 2. Collection method: clinical testing. Allele origin: germline. Affected: yes. Observed: 1 variant allele.

Labcorp Genetics (formerly Invitae), Labcorp
Classification: Uncertain significance for Bethlem myopathy 1A. Last evaluated: 2022-03-18. Review status: criteria provided, single submitter. Criteria: Invitae Variant Classification Sherloc (09022015). Collection method: clinical testing. Allele origin: germline.
Comment: This sequence change replaces alanine, which is neutral and non-polar, with threonine, which is neutral and polar, at codon 975 of the COL6A2 protein (p.Ala975Thr). The frequency data for this variant in the population databases is considered unreliable, as metrics indicate poor data quality at this position in the gnomAD database. This variant has not been reported in the literature in individuals affected with COL6A2-related conditions. ClinVar contains an entry for this variant (Variation ID: 858892). Advanced modeling of protein sequence and biophysical properties (such as structural, functional, and spatial information, amino acid conservation, physicochemical variation, residue mobility, and thermodynamic stability) performed at Invitae indicates that this missense variant is expected to disrupt COL6A2 protein function. In summary, the available evidence is currently insufficient to determine the role of this variant in disease. Therefore, it has been classified as a Variant of Uncertain Significance.

Blueprint Genetics
Classification: Uncertain significance. Last evaluated: 2019-10-24. Review status: criteria provided, single submitter. Criteria: ACMG Guidelines, 2015. Collection method: clinical testing. Allele origin: germline.